The following is an entry in ClinVar:

ClinVar aggregate classification (germline): Uncertain significance (1 of 4 stars; one submission).

Submission:

Labcorp Genetics (formerly Invitae), Labcorp
Classification: Uncertain significance. Last evaluated: 2024-01-07. Review status: criteria provided, single submitter. Criteria: Invitae Variant Classification Sherloc (09022015). Collection method: clinical testing. Allele origin: germline.
Comment: This sequence change replaces valine, which is neutral and non-polar, with phenylalanine, which is neutral and non-polar, at codon 232 of the ANK1 protein (p.Val232Phe). This variant is not present in population databases (gnomAD no frequency). This variant has not been reported in the literature in individuals affected with ANK1-related conditions. Advanced modeling of protein sequence and biophysical properties (such as structural, functional, and spatial information, amino acid conservation, physicochemical variation, residue mobility, and thermodynamic stability) has been performed at Invitae for this missense variant, however the output from this modeling did not meet the statistical confidence thresholds required to predict the impact of this variant on ANK1 protein function. In summary, the available evidence is currently insufficient to determine the role of this variant in disease. Therefore, it has been classified as a Variant of Uncertain Significance.

NM_000037.4(ANK1):c.694G>T (p.Val232Phe)

Gene: ANK1 (ankyrin 1; minus strand). Cytogenetic location: 8p11.21.
Variant type: single nucleotide variant.
Coding change: c.694G>T on transcript NM_000037.4 (MANE Select); coding-DNA position 694, G replaced by T.
Protein change: p.Val232Phe; replaces valine 232 with phenylalanine.
Molecular consequence: missense variant.
Genome position (GRCh38, 1-based): chr8:41,724,473, C>A on the plus strand (G>T on the coding strand, the complement: ANK1 is on the minus strand). VCF-style: chr8-41724473-C-A. GRCh37 (hg19) VCF-style: chr8-41581991-C-A.
Other names: c.793G>T, p.Val265Phe (NM_001142446.2); c.694G>T, p.Val232Phe (NM_020475.3, NM_020476.3, NM_020477.3); short protein forms V232F, V265F.
Identifiers: ClinVar variation 3000741 (VCV003000741.3), dbSNP rs201000616, ClinGen allele CA371043230.